The following is an entry in ClinVar:

ClinVar aggregate classification (germline): Likely pathogenic (1 of 4 stars; one submission).

Conditions:
Primary dilated cardiomyopathy (DCM). Also called: Dilated Cardiomyopathy. Identifiers: Orphanet 217604, MedGen C0007193, MeSH D002311, MONDO:0005021, HP:0001644. Inheritance: Various modes of inheritance.

Submission:

Cardiovascular Biomedical Research Unit, Royal Brompton & Harefield NHS Foundation Trust
Classification: Likely pathogenic for Primary dilated cardiomyopathy. Last evaluated: 2014-10-08. Review status: criteria provided, single submitter. Criteria: Roberts et al. 2015. Collection method: research. Allele origin: germline. Inheritance: Autosomal dominant inheritance. Affected: yes. Observed: 1 variant allele. Study: Familial DCM.
Comment: In the seven cohorts assessed, TTNtv were found in 14% of ambulant DCM, 22% end-stage or familial DCM, and 2% controls. Heterozygous nonsense, frameshift and canonical splice-disrupting variants found in constitutive and other highly utilised exons are highly likely to be pathogenic when identified in individuals with phenotypically confirmed DCM. TTNtv found incidentally in healthy individuals (excluding familial assessment of DCM relatives) are thought to have low penetrance, particularly when identified in exons that are not constitutively expressed in the heart.

NM_001267550.2(TTN):c.41835T>G (p.Tyr13945Ter)

Gene: TTN (titin; minus strand). Cytogenetic location: 2q31.2.
Variant type: single nucleotide variant.
Coding change: c.41835T>G on transcript NM_001267550.2 (MANE Select); coding-DNA position 41835, T replaced by G.
Protein change: p.Tyr13945Ter; replaces tyrosine 13945 with a stop codon.
Molecular consequence: nonsense.
Genome position (GRCh38, 1-based): chr2:178,635,489, A>C on the plus strand (T>G on the coding strand, the complement: TTN is on the minus strand). VCF-style: chr2-178635489-A-C. GRCh37 (hg19) VCF-style: chr2-179500216-A-C.
Other names: c.36912T>G, p.Tyr12304Ter (NM_001256850.1); c.14640T>G, p.Tyr4880Ter (NM_003319.4); c.41835T>G (LRG_391t1); c.34131T>G, p.Tyr11377Ter (NM_133378.4); c.15015T>G, p.Tyr5005Ter (NM_133432.3); c.15216T>G, p.Tyr5072Ter (NM_133437.4); short protein forms Y13945*, Y11377*, Y12304*, Y5072*, Y4880*, Y5005*.
Identifiers: ClinVar variation 223367 (VCV000223367.1), dbSNP rs869312105, ClinGen allele CA353041.
Genomic context (GRCh38, chr2:178,635,489, plus strand): 5'-AGATTTTATACCTCCAAGTGTCAGCTTTGCAGGGTATCTTTTTCCTTCAATTTCCACTGC[A>C]TACTCAGCAATATCTTCTGGCATAGCATTCTTAATTTTGAGGTACAGATGATTTCCATCT-3'